The following is an entry in ClinVar:

NM_001349253.2(SCN11A):c.4770C>G (p.Ile1590Met)

Gene: SCN11A (sodium voltage-gated channel alpha subunit 11; minus strand). Cytogenetic location: 3p22.2.
Variant type: single nucleotide variant.
Coding change: c.4770C>G on transcript NM_001349253.2 (MANE Select); coding-DNA position 4770, C replaced by G.
Protein change: p.Ile1590Met; replaces isoleucine 1590 with methionine.
Molecular consequence: missense variant.
Genome position (GRCh38, 1-based): chr3:38,847,300, G>C on the plus strand (C>G on the coding strand, the complement: SCN11A is on the minus strand). VCF-style: chr3-38847300-G-C. GRCh37 (hg19) VCF-style: chr3-38888791-G-C.
Other names: c.4770C>G, p.Ile1590Met (NM_014139.3); short protein forms I1590M.
Identifiers: ClinVar variation 972994 (VCV000972994.5), dbSNP rs768568691, ClinGen allele CA352162499.
Genomic context (GRCh38, chr3:38,847,300, plus strand): 5'-GGCTGTATTGAAGTTCTCTAAAATCACAGCAATGTACATGTTGACAACAATGAGAAAGGA[G>C]ATGATAATGTAACTGACAAAGTAGGATGTGGCTATGCCAGGGAGGTGGCAGTTTTCTGAG-3'
Protein context (NP_001336182.1, residues 1580-1600): ATSYFVSYII[Ile1590Met]SFLIVVNMYI

ClinVar aggregate classification (germline): Uncertain significance (1 of 4 stars; one submission).

Conditions:
Hereditary sensory and autonomic neuropathy type 7. Also called: HSAN VII; Neuropathy, hereditary sensory and autonomic, type VII. Identifiers: Orphanet 391397, MedGen C3809882, MONDO:0014244, OMIM 615548.
Familial episodic pain syndrome with predominantly lower limb involvement. Also called: Episodic pain syndrome, familial, 3. Identifiers: Orphanet 391384, Orphanet 391392, MedGen C3809899, MONDO:0014247, OMIM 615552.

Allele frequency attached by ClinVar (database versions not stated): gnomAD 0.00001.
gnomAD v4.1: 2 of 1,614,074 alleles (0.00012%); highest among the groups gnomAD compares: African/African-American, 0.0027%; no homozygotes.

Submission:

GeneDx
Classification: Uncertain significance. Last evaluated: 2026-10-26. Review status: criteria provided, single submitter. Criteria: GeneDx Variant Classification Process June 2021. Collection method: clinical testing. Allele origin: germline.
Comment: Not observed in large population cohorts (gnomAD); In silico analysis, which includes protein predictors and evolutionary conservation, supports that this variant does not alter protein structure/function; Has not been previously published as pathogenic or benign to our knowledge